The following is an entry in ClinVar:

ClinVar aggregate classification (germline): Uncertain significance. Review status: criteria provided, multiple submitters, no conflicts (2 of 4 stars). 5 submissions from 5 submitters: Uncertain significance (5). Last evaluated 2026-04-16.

Conditions:
Inborn genetic diseases. Identifiers: MedGen C0950123, MeSH D030342.
Charcot-Marie-Tooth disease type 2. Also called: Charcot-Marie-Tooth type 2. Identifiers: Orphanet 64746, MedGen C0270914, MONDO:0018993.
Neuronopathy, distal hereditary motor, type 5C. Also called: DHMN VC; NEURONOPATHY, DISTAL HEREDITARY MOTOR, AUTOSOMAL DOMINANT 13; NEURONOPATHY, DISTAL HEREDITARY MOTOR, HARDING TYPE VC; NEUROPATHY, DISTAL HEREDITARY MOTOR, HARDING TYPE VC; SPINAL MUSCULAR ATROPHY, DISTAL, HARDING TYPE VC. Identifiers: MedGen C5436838, MONDO:0030860, OMIM 619112.
Severe neurodegenerative syndrome with lipodystrophy. Also called: ENCEPHALOPATHY, PROGRESSIVE, WITH LIPODYSTROPHY; Encephalopathy, progressive, with or without lipodystrophy. Identifiers: Orphanet 363400, MedGen C4014700, MONDO:0014402, OMIM 615924.
Hereditary spastic paraplegia 17. Also called: Silver spastic paraplegia syndrome; Spastic Paraplegia 17; Autosomal dominant spastic paraplegia type 17; Silver Syndrome; SPASTIC PARAPLEGIA WITH AMYOTROPHY OF HANDS AND FEET. Identifiers: Orphanet 100998, MedGen C2931276, MONDO:0010043, OMIM 270685.
Congenital generalized lipodystrophy type 2 (CGL2). Also called: BERARDINELLI SYNDROME; BRUNZELL SYNDROME, BSCL2-RELATED; SEIP SYNDROME; Berardinelli-Seip Congenital Lipodystrophy Type 2. Identifiers: Orphanet 528, Orphanet 696289, MedGen C1720863, MONDO:0010020, OMIM 269700.
BSCL2-related disorder. Also called: BSCL2-Related Disorders; BSCL2-related condition.

Allele frequency attached by ClinVar (database versions not stated): gnomAD exomes 0.00001 and 0.00003; ExAC 0.00002; TOPMed 0.00002.
gnomAD v4.1: 8 of 1,612,956 alleles (0.0005%); highest among the groups gnomAD compares: Admixed American, 0.0067%; no homozygotes.

Submissions (5):

PreventionGenetics, part of Exact Sciences
Classification: Uncertain significance for BSCL2-related condition. Last evaluated: 2026-04-16. Review status: criteria provided, single submitter. Criteria: ACMG Guidelines, 2015. Collection method: clinical testing. Allele origin: germline.
Comment: The BSCL2 c.443T>C variant is predicted to result in the amino acid substitution p.Phe148Ser. To our knowledge, this variant has not been reported in the literature. This variant is reported in 0.017% of alleles in individuals of Latino descent in gnomAD. At this time, the clinical significance of this variant is uncertain due to the absence of conclusive functional and genetic evidence.

Ambry Genetics
Classification: Uncertain significance for Inborn genetic diseases. Last evaluated: 2025-06-07. Review status: criteria provided, single submitter. Criteria: Ambry Variant Classification Scheme 2023. Collection method: clinical testing. Allele origin: germline.

GeneDx
Classification: Uncertain significance. Last evaluated: 2024-06-21. Review status: criteria provided, single submitter. Criteria: GeneDx Variant Classification Process June 2021. Collection method: clinical testing. Allele origin: germline. Affected: yes.
Comment: In silico analysis supports that this missense variant has a deleterious effect on protein structure/function; Has not been previously published as pathogenic or benign to our knowledge

Labcorp Genetics (formerly Invitae), Labcorp
Classification: Uncertain significance for Charcot-Marie-Tooth disease type 2. Last evaluated: 2023-08-30. Review status: criteria provided, single submitter. Criteria: Invitae Variant Classification Sherloc (09022015). Collection method: clinical testing. Allele origin: germline.
Comment: In summary, the available evidence is currently insufficient to determine the role of this variant in disease. Therefore, it has been classified as a Variant of Uncertain Significance. Advanced modeling of protein sequence and biophysical properties (such as structural, functional, and spatial information, amino acid conservation, physicochemical variation, residue mobility, and thermodynamic stability) performed at Invitae indicates that this missense variant is expected to disrupt BSCL2 protein function. ClinVar contains an entry for this variant (Variation ID: 1407816). This variant has not been reported in the literature in individuals affected with BSCL2-related conditions. This variant is present in population databases (rs751277966, gnomAD 0.02%). This sequence change replaces phenylalanine, which is neutral and non-polar, with serine, which is neutral and polar, at codon 84 of the BSCL2 protein (p.Phe84Ser).

Fulgent Genetics
Classification: Uncertain significance for Congenital generalized lipodystrophy type 2; Hereditary spastic paraplegia 17; Severe neurodegenerative syndrome with lipodystrophy; Neuronopathy, distal hereditary motor, type 5C. Last evaluated: 2022-03-03. Review status: criteria provided, single submitter. Criteria: ACMG Guidelines, 2015. Collection method: clinical testing. Allele origin: unknown.

NM_001122955.4(BSCL2):c.443T>C (p.Phe148Ser)

Genes: BSCL2 (BSCL2 lipid droplet biogenesis associated, seipin; minus strand), HNRNPUL2-BSCL2 (HNRNPUL2-BSCL2 readthrough (NMD candidate); minus strand). Cytogenetic location: 11q12.3.
Variant type: single nucleotide variant.
Coding change: c.443T>C on transcript NM_001122955.4 (MANE Select); coding-DNA position 443, T replaced by C.
Protein change: p.Phe148Ser; replaces phenylalanine 148 with serine.
Molecular consequence: missense variant. On other transcripts: non-coding transcript variant (1).
Genome position (GRCh38, 1-based): chr11:62,702,511, A>G on the plus strand (T>C on the coding strand, the complement: BSCL2 is on the minus strand). VCF-style: chr11-62702511-A-G. GRCh37 (hg19) VCF-style: chr11-62469983-A-G.
Other names: c.251T>C, p.Phe84Ser (NM_001130702.2, NM_032667.6); c.443T>C, p.Phe148Ser (NM_001386027.1, NM_001386028.1); c.443T>C (NM_001122955.3); short protein forms F84S, F148S.
Identifiers: ClinVar variation 1407816 (VCV001407816.12), dbSNP rs751277966, ClinGen allele CA6053571.